The following is an entry in ClinVar:

NM_000368.5(TSC1):c.527A>G (p.Tyr176Cys)

Gene: TSC1 (TSC complex subunit 1; minus strand). Cytogenetic location: 9q34.13.
Variant type: single nucleotide variant.
Coding change: c.527A>G on transcript NM_000368.5 (MANE Select); coding-DNA position 527, A replaced by G.
Protein change: p.Tyr176Cys; replaces tyrosine 176 with cysteine.
Molecular consequence: missense variant.
Genome position (GRCh38, 1-based): chr9:132,921,955, T>C on the plus strand (A>G on the coding strand, the complement: TSC1 is on the minus strand). VCF-style: chr9-132921955-T-C. GRCh37 (hg19) VCF-style: chr9-135797342-T-C.
Other names: c.527A>G, p.Tyr176Cys (NM_001162426.2); c.374A>G, p.Tyr125Cys (NM_001162427.2); c.164A>G, p.Tyr55Cys (NM_001362177.2); short protein forms Y176C, Y55C, Y125C.
Identifiers: ClinVar variation 411250 (VCV000411250.23), dbSNP rs1060503209, ClinGen allele CA16612498.
Genomic context (GRCh38, chr9:132,921,955, plus strand): 5'-GGGTACATTCCATAAAGGCGATGAAAGAGTGCGTACACACTGGCATGGAGATGGACGAGA[T>C]AGACTTCCGCCACGTGGCCTAGAAAAGGAACCCGTTGAGAAGAGCCTCTTAGTTGGAGAC-3'
Protein context (NP_000359.1, residues 166-186): LKKPGHVAEV[Tyr176Cys]LVHLHASVYA

ClinVar aggregate classification (germline): Conflicting classifications of pathogenicity. Review status: criteria provided, conflicting classifications (1 of 4 stars). 7 submissions from 7 submitters: Uncertain significance (5); Benign (1); Likely benign (1). Last evaluated 2025-10-29.

Conditions:
Hereditary cancer-predisposing syndrome. Also called: Neoplastic Syndromes, Hereditary; Tumor predisposition; Hereditary Cancer Syndrome; Hereditary neoplastic syndrome. Identifiers: Orphanet 140162, MedGen C0027672, MeSH D009386, MONDO:0015356.
Tuberous sclerosis syndrome (TSC). Also called: Tuberous Sclerosis Complex; Tuberous sclerosis. Identifiers: Orphanet 805, MedGen C0041341, MONDO:0001734.
Isolated focal cortical dysplasia type II (FCORD2). Also called: CORTICAL DYSPLASIA OF TAYLOR; Focal cortical dysplasia type II. Identifiers: Orphanet 268994, MedGen C1846385, MONDO:0011818, OMIM 607341, HP:0032051.
Tuberous sclerosis 1 (TSC1). Identifiers: Orphanet 805, MedGen C1854465, MONDO:0008612, OMIM 191100.

Allele frequency attached by ClinVar (database versions not stated): TOPMed below 0.00001; gnomAD 0.00001; gnomAD exomes 0.00001.
gnomAD v4.1: 11 of 1,613,996 alleles (0.00068%); highest among the groups gnomAD compares: African/African-American, 0.0013%; no homozygotes.

Submissions (7):

Labcorp Genetics (formerly Invitae), Labcorp
Classification: Benign for Tuberous sclerosis 1. Last evaluated: 2025-10-29. Review status: criteria provided, single submitter. Criteria: Invitae Variant Classification Sherloc (09022015). Collection method: clinical testing. Allele origin: germline.

Color Diagnostics, LLC DBA Color Health
Classification: Uncertain significance for Tuberous sclerosis syndrome. Last evaluated: 2025-05-27. Review status: criteria provided, single submitter. Criteria: ACMG Guidelines, 2015. Collection method: clinical testing. Allele origin: germline.
Comment: This missense variant replaces tyrosine with cysteine at codon 176 of the TSC1 protein. Computational prediction is inconclusive regarding the impact of this variant on protein structure and function. To our knowledge, functional studies have not been reported for this variant. This variant has not been reported in individuals affected with TSC1-related disorders in the literature. This variant has been identified in 2/251430 chromosomes in the general population by the Genome Aggregation Database (gnomAD). The available evidence is insufficient to determine the role of this variant in disease conclusively. Therefore, this variant is classified as a Variant of Uncertain Significance.

Ambry Genetics
Classification: Uncertain significance for Hereditary cancer-predisposing syndrome. Last evaluated: 2024-10-18. Review status: criteria provided, single submitter. Criteria: Ambry Variant Classification Scheme 2023. Collection method: clinical testing. Allele origin: germline.
Comment: The p.Y176C variant (also known as c.527A>G), located in coding exon 5 of the TSC1 gene, results from an A to G substitution at nucleotide position 527. The tyrosine at codon 176 is replaced by cysteine, an amino acid with highly dissimilar properties. This amino acid position is well conserved in available vertebrate species. In addition, the in silico prediction for this alteration is inconclusive. Since supporting evidence is limited at this time, the clinical significance of this alteration remains unclear.

GeneDx
Classification: Uncertain significance. Last evaluated: 2023-09-11. Review status: criteria provided, single submitter. Criteria: GeneDx Variant Classification Process June 2021. Collection method: clinical testing. Allele origin: germline. Affected: yes.
Comment: In silico analysis supports that this missense variant has a deleterious effect on protein structure/function; Has not been previously published as pathogenic or benign to our knowledge

Baylor Genetics
Classification: Uncertain significance for Isolated focal cortical dysplasia type II. Last evaluated: 2023-08-23. Review status: criteria provided, single submitter. Criteria: ACMG Guidelines, 2015. Collection method: clinical testing. Allele origin: unknown.

Genome-Nilou Lab
Classification: Likely benign for Tuberous sclerosis 1. Last evaluated: 2021-11-07. Review status: criteria provided, single submitter. Criteria: ACMG Guidelines, 2015. Collection method: clinical testing. Allele origin: germline. Affected: no.

Blueprint Genetics
Classification: Uncertain significance. Last evaluated: 2018-01-25. Review status: criteria provided, single submitter. Criteria: ACMG Guidelines, 2015. Collection method: clinical testing. Allele origin: germline.